The following is an entry in ClinVar:

ClinVar aggregate classification (germline): Uncertain significance. Review status: criteria provided, multiple submitters, no conflicts (2 of 4 stars). 2 submissions from 2 submitters: Uncertain significance (2). Last evaluated 2024-03-19.

Conditions:
Hereditary spastic paraplegia 48. Also called: SPASTIC PARAPLEGIA 48, AUTOSOMAL RECESSIVE; Spastic paraplegia 48. Identifiers: Orphanet 306511, MedGen C3150901, MONDO:0013342, OMIM 613647.
Inborn genetic diseases. Identifiers: MedGen C0950123, MeSH D030342.

Allele frequency attached by ClinVar (database versions not stated): ExAC 0.00001; gnomAD exomes 0.00001 and 0.00002; gnomAD 0.00002 and 0.00003; ESP Exome Variant Server 0.00008.

Submissions (2):

Labcorp Genetics (formerly Invitae), Labcorp
Classification: Uncertain significance for Hereditary spastic paraplegia 48. Last evaluated: 2024-03-19. Review status: criteria provided, single submitter. Criteria: Invitae Variant Classification Sherloc (09022015). Collection method: clinical testing. Allele origin: germline.
Comment: This sequence change replaces valine, which is neutral and non-polar, with phenylalanine, which is neutral and non-polar, at codon 129 of the AP5Z1 protein (p.Val129Phe). This variant is present in population databases (rs369230277, gnomAD 0.002%). This variant has not been reported in the literature in individuals affected with AP5Z1-related conditions. ClinVar contains an entry for this variant (Variation ID: 1434890). Advanced modeling of protein sequence and biophysical properties (such as structural, functional, and spatial information, amino acid conservation, physicochemical variation, residue mobility, and thermodynamic stability) has been performed at Invitae for this missense variant, however the output from this modeling did not meet the statistical confidence thresholds required to predict the impact of this variant on AP5Z1 protein function. In summary, the available evidence is currently insufficient to determine the role of this variant in disease. Therefore, it has been classified as a Variant of Uncertain Significance.

Ambry Genetics
Classification: Uncertain significance for Inborn genetic diseases. Last evaluated: 2023-04-25. Review status: criteria provided, single submitter. Criteria: Ambry Variant Classification Scheme 2023. Collection method: clinical testing. Allele origin: germline.

NM_014855.3(AP5Z1):c.385G>T (p.Val129Phe)

Gene: AP5Z1 (adaptor related protein complex 5 subunit zeta 1; plus strand). Cytogenetic location: 7p22.1.
Variant type: single nucleotide variant.
Coding change: c.385G>T on transcript NM_014855.3 (MANE Select); coding-DNA position 385, G replaced by T.
Protein change: p.Val129Phe; replaces valine 129 with phenylalanine.
Molecular consequence: missense variant. On other transcripts: 5 prime UTR variant (1), non-coding transcript variant (1).
Genome position (GRCh38, 1-based): chr7:4,783,334, G>T. VCF-style: chr7-4783334-G-T. GRCh37 (hg19) VCF-style: chr7-4822965-G-T.
Other names: c.385G>T (NM_014855.2); c.-84G>T (NM_001364858.1); short protein forms V129F.
Identifiers: ClinVar variation 1434890 (VCV001434890.9), dbSNP rs369230277, ClinGen allele CA4137194.